The following is an entry in ClinVar:

NM_004655.4(AXIN2):c.399G>A (p.Ala133=)

Gene: AXIN2 (axin 2; minus strand). Cytogenetic location: 17q24.1.
Variant type: single nucleotide variant.
Coding change: c.399G>A on transcript NM_004655.4 (MANE Select); coding-DNA position 399, G replaced by A.
Protein change: p.Ala133=; no amino-acid change (alanine 133 retained).
Molecular consequence: synonymous variant.
Genome position (GRCh38, 1-based): chr17:65,558,222, C>T on the plus strand (G>A on the coding strand, the complement: AXIN2 is on the minus strand). VCF-style: chr17-65558222-C-T. GRCh37 (hg19) VCF-style: chr17-63554340-C-T.
Other names: c.399G>A, p.Ala133= (NM_001363813.1); c.399G>A (LRG_296t1).
Identifiers: ClinVar variation 415210 (VCV000415210.13), dbSNP rs754867315, ClinGen allele CA8719056.

ClinVar aggregate classification (germline): Benign/Likely benign. Review status: criteria provided, multiple submitters, no conflicts (2 of 4 stars). 3 submissions from 3 submitters: Benign (1); Likely benign (2). Last evaluated 2025-07-31.

Conditions:
Hereditary cancer-predisposing syndrome. Also called: Tumor predisposition; Neoplastic Syndromes, Hereditary; Hereditary neoplastic syndrome; Hereditary Cancer Syndrome. Identifiers: Orphanet 140162, MedGen C0027672, MeSH D009386, MONDO:0015356.
Oligodontia-cancer predisposition syndrome. Also called: TOOTH AGENESIS-COLORECTAL CANCER SYNDROME. Identifiers: Orphanet 300576, MedGen C1837750, MONDO:0012075, OMIM 608615. Disease mechanism: loss of function.

Allele frequency attached by ClinVar (database versions not stated): ExAC 0.00001; gnomAD exomes 0.00001 and 0.00002.
gnomAD v4.1: 6 of 1,614,086 alleles (0.00037%); highest among the groups gnomAD compares: Admixed American, 0.01%; no homozygotes.

Submissions (3):

Labcorp Genetics (formerly Invitae), Labcorp
Classification: Likely benign for Oligodontia-cancer predisposition syndrome. Last evaluated: 2025-07-31. Review status: criteria provided, single submitter. Criteria: Invitae Variant Classification Sherloc (09022015). Collection method: clinical testing. Allele origin: germline.

Myriad Genetics, Inc.
Classification: Benign for Oligodontia-cancer predisposition syndrome. Last evaluated: 2024-06-26. Review status: criteria provided, single submitter. Criteria: Myriad Autosomal Dominant, Autosomal Recessive and X-Linked Classification Criteria (2023). Collection method: clinical testing. Allele origin: unknown.
Comment: This variant is considered benign. This variant is a silent/synonymous amino acid change and it is not expected to impact splicing.

Ambry Genetics
Classification: Likely benign for Hereditary cancer-predisposing syndrome. Last evaluated: 2020-08-07. Review status: criteria provided, single submitter. Criteria: Ambry Variant Classification Scheme 2023. Collection method: clinical testing. Allele origin: germline.